The following is an entry in ClinVar:

NM_000051.4(ATM):c.5006-14A>C

Gene: ATM (ATM serine/threonine kinase; plus strand). Cytogenetic location: 11q22.3.
Variant type: single nucleotide variant.
Coding change: c.5006-14A>C on transcript NM_000051.4 (MANE Select); 14 bases into the intron before coding-DNA position 5006, A replaced by C.
Molecular consequence: intron variant.
Genome position (GRCh38, 1-based): chr11:108,299,700, A>C. VCF-style: chr11-108299700-A-C. GRCh37 (hg19) VCF-style: chr11-108170427-A-C.
Other names: c.5006-14A>C (NM_001351834.2).
Identifiers: ClinVar variation 927001 (VCV000927001.13), dbSNP rs2083314877, ClinGen allele CA913188422.

ClinVar aggregate classification (germline): Likely benign. Review status: criteria provided, multiple submitters, no conflicts (2 of 4 stars). 4 submissions from 4 submitters: Likely benign (3). 1 of the submissions does not count toward it. Last evaluated 2025-12-02.

Conditions:
Malignant tumor of breast. Also called: Malignant breast neoplasm; Cancer breast. Identifiers: MedGen C0006142, MONDO:0007254. Disease mechanism: loss of function.
Hereditary cancer-predisposing syndrome. Also called: Tumor predisposition; Hereditary neoplastic syndrome; Neoplastic Syndromes, Hereditary; Hereditary Cancer Syndrome. Identifiers: Orphanet 140162, MedGen C0027672, MeSH D009386, MONDO:0015356.
Familial cancer of breast. Also called: BREAST CANCER, FAMILIAL; hereditary breast carcinoma; Hereditary breast cancer. Identifiers: Orphanet 227535, MedGen C0346153, MONDO:0016419, OMIM 114480. Disease mechanism: loss of function.
Ataxia-telangiectasia syndrome (AT). Also called: Ataxia-telangiectasia, complementation group D; Cerebello-oculocutaneous telangiectasia; Immunodeficiency with ataxia telangiectasia; LOUIS-BAR SYNDROME; Ataxia-telangiectasia; AT, COMPLEMENTATION GROUP C. Identifiers: Orphanet 100, MedGen C0004135, MONDO:0008840, OMIM 208900.

Allele frequency attached by ClinVar (database versions not stated): TOPMed below 0.00001; gnomAD exomes 0.00001.
gnomAD v4.1: 10 of 1,612,584 alleles (0.00062%); highest among the groups gnomAD compares: Admixed American, 0.0017%; no homozygotes.

Submissions (4):

Labcorp Genetics (formerly Invitae), Labcorp
Classification: Likely benign for Ataxia-telangiectasia syndrome. Last evaluated: 2025-12-02. Review status: criteria provided, single submitter. Criteria: Invitae Variant Classification Sherloc (09022015). Collection method: clinical testing. Allele origin: germline.

Myriad Genetics, Inc.
Classification: Likely benign for Familial cancer of breast. Last evaluated: 2024-05-21. Review status: criteria provided, single submitter. Criteria: Myriad Autosomal Dominant, Autosomal Recessive and X-Linked Classification Criteria (2023). Collection method: clinical testing. Allele origin: unknown.
Comment: This variant is considered likely benign. This variant is intronic and is not expected to impact mRNA splicing.

Color Diagnostics, LLC DBA Color Health
Classification: Likely benign for Hereditary cancer-predisposing syndrome. Last evaluated: 2019-05-23. Review status: criteria provided, single submitter. Criteria: ACMG Guidelines, 2015. Collection method: clinical testing. Allele origin: germline.

Department of Pathology and Laboratory Medicine, Sinai Health System
Classification: Uncertain significance for Malignant tumor of breast. Review status: no assertion criteria provided. Collection method: clinical testing. Allele origin: unknown. Affected: yes. Study: The Canadian Open Genetics Repository (COGR). Not counted in ClinVar's aggregate classification.
Comment: The ATM c.5006-14A>C variant was not identified in the literature nor was it identified in the dbSNP, ClinVar, Clinvitae, Cosmic, MutDB, LOVD 3.0, ATM-LOVD, GeneInsight - COGR (unavailable), the 1000 Genomes Project, the NHLBI GO Exome Sequencing Project or the Exome Aggregation Consortium (August 8th 2016) control databases. The variant occurs outside of the splicing consensus sequence and in silico or computational prediction software programs (SpliceSiteFinder, MaxEntScan, NNSPLICE, GeneSplicer, HumanSpliceFinder) do not predict a difference in splicing. In summary, based on the above information the clinical significance of this variant cannot be determined with certainty at this time. This variant is classified as a variant of uncertain significance.